The following is an entry in ClinVar:

ClinVar aggregate classification (germline): Conflicting classifications of pathogenicity. Review status: criteria provided, conflicting classifications (1 of 4 stars). 4 submissions from 4 submitters: Uncertain significance (1); Likely benign (3). Last evaluated 2025-03-01.

Conditions:
Familial hypokalemia-hypomagnesemia (GTLMNS). Also called: HYPOMAGNESEMIA-HYPOKALEMIA, PRIMARY RENOTUBULAR, WITH HYPOCALCIURIA; POTASSIUM AND MAGNESIUM DEPLETION; gitelman syndrome. Identifiers: Orphanet 358, MedGen C0268450, MONDO:0009904, OMIM 263800.

Allele frequency attached by ClinVar (database versions not stated): TOPMed 0.00002; ExAC 0.00003; gnomAD 0.00003; gnomAD exomes 0.00004.
gnomAD v4.1: 110 of 1,611,566 alleles (0.0068%); highest among the groups gnomAD compares: Non-Finnish European, 0.0081%; no homozygotes.

Submissions (4):

CeGaT Center for Human Genetics Tuebingen
Classification: Likely benign. Last evaluated: 2025-03-01. Review status: criteria provided, single submitter. Criteria: CeGaT Center For Human Genetics Tuebingen Variant Classification Criteria Version 2. Collection method: clinical testing. Allele origin: germline. Affected: yes. Observed: 1 variant allele.
Comment: SLC12A3: BP4, BP7

Labcorp Genetics (formerly Invitae), Labcorp
Classification: Likely benign. Last evaluated: 2024-04-15. Review status: criteria provided, single submitter. Criteria: Invitae Variant Classification Sherloc (09022015). Collection method: clinical testing. Allele origin: germline.

Genome-Nilou Lab
Classification: Likely benign for Familial hypokalemia-hypomagnesemia. Last evaluated: 2021-07-15. Review status: criteria provided, single submitter. Criteria: ACMG Guidelines, 2015. Collection method: clinical testing. Allele origin: germline. Affected: no.

Illumina Laboratory Services, Illumina
Classification: Uncertain significance for Familial hypokalemia-hypomagnesemia. Last evaluated: 2018-01-13. Review status: criteria provided, single submitter. Criteria: ICSL Variant Classification Criteria 13 December 2019. Collection method: clinical testing. Allele origin: germline.

NM_001126108.2(SLC12A3):c.2253G>A (p.Pro751=)

Gene: SLC12A3 (solute carrier family 12 member 3; plus strand). Cytogenetic location: 16q13.
Variant type: single nucleotide variant.
Coding change: c.2253G>A on transcript NM_001126108.2 (MANE Select); coding-DNA position 2253, G replaced by A.
Protein change: p.Pro751=; no amino-acid change (proline 751 retained).
Molecular consequence: synonymous variant.
Genome position (GRCh38, 1-based): chr16:56,887,999, G>A. VCF-style: chr16-56887999-G-A. GRCh37 (hg19) VCF-style: chr16-56921911-G-A.
Other names: c.2253G>A, p.Pro751= (NM_000339.3); c.2250G>A, p.Pro750= (NM_001126107.2).
Identifiers: ClinVar variation 884459 (VCV000884459.22), dbSNP rs776382586, ClinGen allele CA8069801.